The following is an entry in ClinVar:

ClinVar aggregate classification (germline): Likely benign (1 of 4 stars; one submission).

gnomAD v4.1: 294 of 1,559,294 alleles (0.019%); highest among the groups gnomAD compares: Non-Finnish European, 0.024%; no homozygotes.

Submission:

CeGaT Center for Human Genetics Tuebingen
Classification: Likely benign. Last evaluated: 2024-12-01. Review status: criteria provided, single submitter. Criteria: CeGaT Center For Human Genetics Tuebingen Variant Classification Criteria Version 2. Collection method: clinical testing. Allele origin: germline. Affected: yes. Observed: 1 variant allele.
Comment: LIMK1: BP4, BP7

NM_002314.4(LIMK1):c.126C>T (p.Asn42=)

Gene: LIMK1 (LIM domain kinase 1; plus strand). Cytogenetic location: 7q11.23.
Variant type: single nucleotide variant.
Coding change: c.126C>T on transcript NM_002314.4 (MANE Select); coding-DNA position 126, C replaced by T.
Protein change: p.Asn42=; no amino-acid change (asparagine 42 retained).
Molecular consequence: synonymous variant.
Genome position (GRCh38, 1-based): chr7:74,085,818, C>T. VCF-style: chr7-74085818-C-T. GRCh37 (hg19) VCF-style: chr7-73500148-C-T.
Identifiers: ClinVar variation 3770683 (VCV003770683.13).